The following is an entry in ClinVar:

ClinVar aggregate classification (germline): Likely benign (0 of 4 stars; one submission).

Conditions:
VPS13B-related disorder. Also called: VPS13B-related condition.

Submission:

PreventionGenetics, part of Exact Sciences
Classification: Likely benign for VPS13B-related condition. Last evaluated: 2024-09-22. Review status: no assertion criteria provided. Collection method: clinical testing. Allele origin: germline.
Comment: This variant is classified as likely benign based on ACMG/AMP sequence variant interpretation guidelines (Richards et al. 2015 PMID: 25741868, with internal and published modifications).

NM_152564.5(VPS13B):c.3871-9T>C

Gene: VPS13B (vacuolar protein sorting 13 homolog B; plus strand). Cytogenetic location: 8q22.2.
Variant type: single nucleotide variant.
Coding change: c.3871-9T>C on transcript NM_152564.5 (MANE Select); 9 bases into the intron before coding-DNA position 3871, T replaced by C.
Molecular consequence: intron variant.
Genome position (GRCh38, 1-based): chr8:99,501,678, T>C. VCF-style: chr8-99501678-T-C. GRCh37 (hg19) VCF-style: chr8-100513906-T-C.
Other names: c.3871-9T>C (NM_017890.5).
Identifiers: ClinVar variation 3344097 (VCV003344097.1).